The following is an entry in ClinVar:

NM_020922.5(WNK3):c.2012C>T (p.Thr671Ile)

Gene: WNK3 (WNK lysine deficient protein kinase 3; minus strand). Cytogenetic location: Xp11.22.
Variant type: single nucleotide variant.
Coding change: c.2012C>T on transcript NM_020922.5 (MANE Select); coding-DNA position 2012, C replaced by T.
Protein change: p.Thr671Ile; replaces threonine 671 with isoleucine.
Molecular consequence: missense variant.
Genome position (GRCh38, 1-based): chrX:54,292,913, G>A on the plus strand (C>T on the coding strand, the complement: WNK3 is on the minus strand). VCF-style: chrX-54292913-G-A. GRCh37 (hg19) VCF-style: chrX-54319346-G-A.
Other names: c.2012C>T, p.Thr671Ile (NM_001002838.4, NM_001395166.1); short protein forms T671I.
Identifiers: ClinVar variation 4821904 (VCV004821904.4).

ClinVar aggregate classification (germline): Likely benign (1 of 4 stars; one submission).

gnomAD v4.1: 56 of 1,208,444 alleles (0.0046%); highest among the groups gnomAD compares: Non-Finnish European, 0.0061%; no homozygotes.

Submission:

CeGaT Center for Human Genetics Tuebingen
Classification: Likely benign. Last evaluated: 2026-02-01. Review status: criteria provided, single submitter. Criteria: CeGaT Center For Human Genetics Tuebingen Variant Classification Criteria Version 2. Collection method: clinical testing. Allele origin: germline. Affected: yes. Observed: 1 variant allele.
Comment: WNK3: BS2